The following is an entry in ClinVar:

ClinVar aggregate classification (germline): Conflicting classifications of pathogenicity. Review status: criteria provided, conflicting classifications (1 of 4 stars). 5 submissions from 5 submitters: Uncertain significance (4); Likely benign (1). Last evaluated 2025-03-17.

Conditions:
Chédiak-Higashi syndrome (CHS). Also called: Chediak-Higashi Syndrome. Identifiers: Orphanet 167, MedGen C0007965, MONDO:0008963, OMIM 214500.

Allele frequency attached by ClinVar (database versions not stated): gnomAD exomes 0.00004; ExAC 0.00005; gnomAD 0.00009; TOPMed 0.00010; 1000 Genomes Project 0.00060; 1000 Genomes Project 30x 0.00078.
gnomAD v4.1: 86 of 1,613,426 alleles (0.0053%); highest among the groups gnomAD compares: African/African-American, 0.021%; no homozygotes.

Submissions (5):

Women's Health and Genetics/Laboratory Corporation of America, LabCorp
Classification: Uncertain significance. Last evaluated: 2025-03-17. Review status: criteria provided, single submitter. Criteria: LabCorp Variant Classification Summary - May 2015. Collection method: clinical testing. Allele origin: germline.
Comment: Variant summary: LYST c.3697G>A (p.Glu1233Lys) results in a conservative amino acid change in the encoded protein sequence. Five of five in-silico tools predict a benign effect of the variant on protein function. The variant allele was found at a frequency of 6.4e-05 in 250792 control chromosomes. This frequency is not significantly higher than estimated for a pathogenic variant in LYST causing Chediak-Higashi Syndrome (6.4e-05 vs 0.0011), allowing no conclusion about variant significance. To our knowledge, no occurrence of c.3697G>A in individuals affected with Chediak-Higashi Syndrome and no experimental evidence demonstrating its impact on protein function have been reported. ClinVar contains an entry for this variant (Variation ID: 296403). Based on the evidence outlined above, the variant was classified as uncertain significance.

Labcorp Genetics (formerly Invitae), Labcorp
Classification: Uncertain significance for Chédiak-Higashi syndrome. Last evaluated: 2025-01-13. Review status: criteria provided, single submitter. Criteria: Invitae Variant Classification Sherloc (09022015). Collection method: clinical testing. Allele origin: germline.
Comment: This sequence change replaces glutamic acid, which is acidic and polar, with lysine, which is basic and polar, at codon 1233 of the LYST protein (p.Glu1233Lys). This variant is present in population databases (rs566351447, gnomAD 0.04%). This variant has not been reported in the literature in individuals affected with LYST-related conditions. ClinVar contains an entry for this variant (Variation ID: 296403). Invitae Evidence Modeling of protein sequence and biophysical properties (such as structural, functional, and spatial information, amino acid conservation, physicochemical variation, residue mobility, and thermodynamic stability) indicates that this missense variant is not expected to disrupt LYST protein function with a negative predictive value of 80%. In summary, the available evidence is currently insufficient to determine the role of this variant in disease. Therefore, it has been classified as a Variant of Uncertain Significance.

Mayo Clinic Laboratories, Mayo Clinic
Classification: Uncertain significance. Last evaluated: 2024-03-08. Review status: criteria provided, single submitter. Criteria: ACMG Guidelines, 2015. Collection method: clinical testing. Allele origin: germline. Observed: 1 variant allele.
Comment: BP4_strong, PP2

Blueprint Genetics
Classification: Likely benign. Last evaluated: 2022-08-23. Review status: criteria provided, single submitter. Criteria: ACMG Guidelines, 2015. Collection method: clinical testing. Allele origin: germline.

Illumina Laboratory Services, Illumina
Classification: Uncertain significance for Chédiak-Higashi syndrome. Last evaluated: 2018-01-13. Review status: criteria provided, single submitter. Criteria: ICSL Variant Classification Criteria 13 December 2019. Collection method: clinical testing. Allele origin: germline.

NM_000081.4(LYST):c.3697G>A (p.Glu1233Lys)

Gene: LYST (lysosomal trafficking regulator; minus strand). Cytogenetic location: 1q42.3.
Variant type: single nucleotide variant.
Coding change: c.3697G>A on transcript NM_000081.4 (MANE Select); coding-DNA position 3697, G replaced by A.
Protein change: p.Glu1233Lys; replaces glutamic acid 1233 with lysine.
Molecular consequence: missense variant.
Genome position (GRCh38, 1-based): chr1:235,802,923, C>T on the plus strand (G>A on the coding strand, the complement: LYST is on the minus strand). VCF-style: chr1-235802923-C-T. GRCh37 (hg19) VCF-style: chr1-235966223-C-T.
Other names: p.Glu1233Lys; c.3697G>A, p.Glu1233Lys (NM_001301365.1); short protein forms E1233K.
Identifiers: ClinVar variation 296403 (VCV000296403.13), dbSNP rs566351447, ClinGen allele CA1467016.